The following is an entry in ClinVar:

ClinVar aggregate classification (germline): Uncertain significance (1 of 4 stars; one submission).

Submission:

Ambry Genetics
Classification: Uncertain significance. Last evaluated: 2021-08-07. Review status: criteria provided, single submitter. Criteria: Ambry Variant Classification Scheme 2023. Collection method: clinical testing. Allele origin: germline.
Comment: The p.H95Y variant (also known as c.283C>T), located in coding exon 3 of the BUB3 gene, results from a C to T substitution at nucleotide position 283. The histidine at codon 95 is replaced by tyrosine, an amino acid with similar properties. This amino acid position is conserved. In addition, this alteration is predicted to be deleterious by in silico analysis. Since supporting evidence is limited at this time, the clinical significance of this alteration remains unclear.

NM_004725.4(BUB3):c.283C>T (p.His95Tyr)

Gene: BUB3 (BUB3 mitotic checkpoint protein; plus strand). Cytogenetic location: 10q26.13.
Variant type: single nucleotide variant.
Coding change: c.283C>T on transcript NM_004725.4 (MANE Select); coding-DNA position 283, C replaced by T.
Protein change: p.His95Tyr; replaces histidine 95 with tyrosine.
Molecular consequence: missense variant.
Genome position (GRCh38, 1-based): chr10:123,157,746, C>T. VCF-style: chr10-123157746-C-T. GRCh37 (hg19) VCF-style: chr10-124917262-C-T.
Other names: c.283C>T, p.His95Tyr (NM_001007793.3); short protein forms H95Y.
Identifiers: ClinVar variation 1796696 (VCV001796696.2), dbSNP rs2493759779, ClinGen allele CA378625364.